The following is an entry in ClinVar:

NM_001369.3(DNAH5):c.6293del (p.Lys2098fs)

Gene: DNAH5 (dynein axonemal heavy chain 5; minus strand). Cytogenetic location: 5p15.2.
Variant type: Deletion.
Coding change: c.6293del on transcript NM_001369.3 (MANE Select); coding-DNA position 6293, one base deleted (A; older notation c.6293delA).
Protein change: p.Lys2098fs; shifts the reading frame from lysine 2098.
Molecular consequence: frameshift variant.
Genome position (GRCh38, 1-based): chr5:13,829,661, T deleted on the plus strand (A on the coding strand, the reverse complement: DNAH5 is on the minus strand); the first of 2 consecutive T bases (chr5:13,829,661-13,829,662); deleting either gives the same sequence. VCF-style (leftmost placement, unchanged base first): chr5-13829660-CT-C. GRCh37 (hg19) VCF-style: chr5-13829769-CT-C.
Other names: c.6293delA (NM_001369.2); short protein forms K2098fs.
Identifiers: ClinVar variation 407236 (VCV000407236.20), dbSNP rs1060501461, ClinGen allele CA16611803.

ClinVar aggregate classification (germline): Pathogenic/Likely pathogenic. Review status: criteria provided, multiple submitters, no conflicts (2 of 4 stars). 4 submissions from 4 submitters: Pathogenic (2); Likely pathogenic (2). Last evaluated 2025-01-15.

Conditions:
Primary ciliary dyskinesia. Also called: Ciliary dyskinesia. Identifiers: Orphanet 244, MedGen C0008780, MONDO:0016575, HP:0012265.
Primary ciliary dyskinesia 3. Identifiers: Orphanet 244, MedGen C1837618, MONDO:0012085, OMIM 608644.

Submissions (4):

Natera, Inc.
Classification: Likely pathogenic for Primary ciliary dyskinesia. Last evaluated: 2025-01-15. Review status: criteria provided, single submitter. Criteria: Natera Variant Classification Schema (03/2026). Collection method: clinical testing. Allele origin: germline.
Comment: The c.6293delA variant in DNAH5 is a frameshift variant predicted to shift the reading frame beginning at codon 2098 and leads to a stop codon 9 codons downstream. This variant is expected to result in nonsense mediated decay, truncation, or a dysfunctional protein product. This variant is rare in the general population with a frequency below the threshold expected for the associated phenotype(s). Given the available evidence, this variant is classified as Likely Pathogenic.

Myriad Genetics, Inc.
Classification: Pathogenic for Primary ciliary dyskinesia 3. Last evaluated: 2024-05-14. Review status: criteria provided, single submitter. Criteria: Myriad Autosomal Dominant, Autosomal Recessive and X-Linked Classification Criteria (2023). Collection method: clinical testing. Allele origin: unknown.
Comment: NM_001369.2(DNAH5):c.6293delA(K2098Rfs*9) is expected to be pathogenic in the context of primary ciliary dyskinesia, DNAH5-related. This variant is predicted to lead to an abnormal or absent protein product due to the creation of a premature termination codon in DNAH5, a gene where loss-of-function variants are known to be pathogenic. Please note: this variant was assessed in the context of healthy population screening.

Labcorp Genetics (formerly Invitae), Labcorp
Classification: Pathogenic for Primary ciliary dyskinesia. Last evaluated: 2024-02-24. Review status: criteria provided, single submitter. Criteria: Invitae Variant Classification Sherloc (09022015). Collection method: clinical testing. Allele origin: germline.
Comment: This sequence change creates a premature translational stop signal (p.Lys2098Argfs*9) in the DNAH5 gene. It is expected to result in an absent or disrupted protein product. Loss-of-function variants in DNAH5 are known to be pathogenic (PMID: 11788826, 16627867). This variant is not present in population databases (gnomAD no frequency). This variant has not been reported in the literature in individuals affected with DNAH5-related conditions. ClinVar contains an entry for this variant (Variation ID: 407236). For these reasons, this variant has been classified as Pathogenic.

Fulgent Genetics
Classification: Likely pathogenic for Primary ciliary dyskinesia 3. Last evaluated: 2024-01-03. Review status: criteria provided, single submitter. Criteria: ACMG Guidelines, 2015. Collection method: clinical testing. Allele origin: germline.

Literature cited by the submitters: PubMed 11788826 (cited by Labcorp Genetics (formerly Invitae), Labcorp); PubMed 16627867 (cited by Labcorp Genetics (formerly Invitae), Labcorp).